The following is an entry in ClinVar:

ClinVar aggregate classification (germline): Uncertain significance (1 of 4 stars; one submission).

Conditions:
Immunodeficiency 47 (IMD47). Also called: IMMUNODEFICIENCY AND HEPATOPATHY WITH OR WITHOUT NEUROLOGIC FEATURES. Identifiers: Orphanet 692790, MedGen C4310819, MONDO:0010504, OMIM 300972.

Submission:

Neuberg Centre For Genomic Medicine, NCGM
Classification: Uncertain significance for Immunodeficiency 47. Review status: criteria provided, single submitter. Criteria: ACMG Guidelines, 2015. Collection method: clinical testing. Allele origin: germline. Inheritance: X-linked inheritance. Affected: yes.
Comment: The missense c.473A>T (p.His158Leu) variant in ATP6AP1 gene has not been reported previously as a pathogenic variant nor as a benign variant, to our knowledge. The p.His158Leu variant is novel (not in any individuals) in gnomAD Exomes and 1000 Genomes. The amino acid His at position 158 is changed to a Leu changing protein sequence and it might alter its composition and physico-chemical properties. The amino acid change p.His158Leu in ATP6AP1 is predicted as conserved by GERP++ and PhyloP across 100 vertebrates. For these reasons, this variant has been classified as Uncertain signific

NM_001183.6(ATP6AP1):c.473A>T (p.His158Leu)

Gene: ATP6AP1 (ATPase H+ transporting accessory protein 1; plus strand). Cytogenetic location: Xq28.
Variant type: single nucleotide variant.
Coding change: c.473A>T on transcript NM_001183.6 (MANE Select); coding-DNA position 473, A replaced by T.
Protein change: p.His158Leu; replaces histidine 158 with leucine.
Molecular consequence: missense variant.
Genome position (GRCh38, 1-based): chrX:154,432,375, A>T. VCF-style: chrX-154432375-A-T. GRCh37 (hg19) VCF-style: chrX-153660721-A-T.
Other names: short protein forms H158L.
Identifiers: ClinVar variation 2584995 (VCV002584995.1), dbSNP rs1201151700, ClinGen allele CA415189695.